The following is an entry in ClinVar:

NM_004408.4(DNM1):c.2104C>A (p.Leu702Met)

Gene: DNM1 (dynamin 1; plus strand). Cytogenetic location: 9q34.11.
Variant type: single nucleotide variant.
Coding change: c.2104C>A on transcript NM_004408.4 (MANE Select); coding-DNA position 2104, C replaced by A.
Protein change: p.Leu702Met; replaces leucine 702 with methionine.
Molecular consequence: missense variant.
Genome position (GRCh38, 1-based): chr9:128,250,142, C>A. VCF-style: chr9-128250142-C-A. GRCh37 (hg19) VCF-style: chr9-131012421-C-A.
Other names: c.2104C>A, p.Leu702Met (NM_001288738.2, NM_001288739.2, NM_001374269.1 and 2 more transcripts); short protein forms L702M.
Identifiers: ClinVar variation 4881475 (VCV004881475.2).
Genomic context (GRCh38, chr9:128,250,142, plus strand): 5'-TCCCCACCTCCTTCCCTCTTTGCCTACTCGCAGACCAAGGAGTTCATCTTCTCGGAGCTG[C>A]TGGCCAACCTGTACTCGTGTGGGGACCAGAACACGCTGATGGAGGAGTCGGCGGAGCAGG-3'
Protein context (NP_004399.2, residues 692-712): NTKEFIFSEL[Leu702Met]ANLYSCGDQN

ClinVar aggregate classification (germline): Uncertain significance (1 of 4 stars; one submission).

Conditions:
Developmental and epileptic encephalopathy, 31A. Also called: Epileptic encephalopathy, early infantile, 31; Developmental and epileptic encephalopathy, 31. Identifiers: Orphanet 2382, MedGen C4225357, MONDO:0014598, OMIM 616346.

Submission:

Dasa
Classification: Uncertain significance for Developmental and epileptic encephalopathy, 31A. Last evaluated: 2025-10-18. Review status: criteria provided, single submitter. Criteria: DASA Assertion Criteria. Collection method: clinical testing. Allele origin: germline.
Comment: NM_004408.4(DNM1):c.2104C>A (p.Leu702Met) is a missense variant that results in the substitution of leucine with methionine. This variant is absent from population databases. The currently available literature and clinical evidence are not sufficient to establish a definitive association between this variant and the reported condition. Therefore, this variant is classified as a variant of uncertain significance.